The following is an entry in ClinVar:

ClinVar aggregate classification (germline): Uncertain significance. Review status: criteria provided, multiple submitters, no conflicts (2 of 4 stars). 2 submissions from 2 submitters: Uncertain significance (2). Last evaluated 2023-12-09.

Conditions:
Fanconi anemia (FA). Also called: Fanconi's anemia. Identifiers: Orphanet 84, MedGen C0015625, MeSH D005199, MONDO:0019391.
Fanconi anemia complementation group P. Also called: SLX4-Related Fanconi Anemia. Identifiers: Orphanet 84, MedGen C3469542, MONDO:0013499, OMIM 613951.

Allele frequency attached by ClinVar (database versions not stated): gnomAD exomes below 0.00001; ExAC 0.00001.
gnomAD v4.1: 2 of 1,614,096 alleles (0.00012%); highest among the groups gnomAD compares: Non-Finnish European, 0.00017%; no homozygotes.

Submissions (2):

Labcorp Genetics (formerly Invitae), Labcorp
Classification: Uncertain significance for Fanconi anemia. Last evaluated: 2023-12-09. Review status: criteria provided, single submitter. Criteria: Invitae Variant Classification Sherloc (09022015). Collection method: clinical testing. Allele origin: germline.
Comment: This sequence change replaces glycine, which is neutral and non-polar, with aspartic acid, which is acidic and polar, at codon 517 of the SLX4 protein (p.Gly517Asp). The frequency data for this variant in the population databases is considered unreliable, as metrics indicate poor data quality at this position in the gnomAD database. This variant has not been reported in the literature in individuals affected with SLX4-related conditions. ClinVar contains an entry for this variant (Variation ID: 1433594). An algorithm developed to predict the effect of missense changes on protein structure and function (PolyPhen-2) suggests that this variant is likely to be disruptive. In summary, the available evidence is currently insufficient to determine the role of this variant in disease. Therefore, it has been classified as a Variant of Uncertain Significance.

Fulgent Genetics
Classification: Uncertain significance for Fanconi anemia complementation group P. Last evaluated: 2022-02-05. Review status: criteria provided, single submitter. Criteria: ACMG Guidelines, 2015. Collection method: clinical testing. Allele origin: unknown.

NM_032444.4(SLX4):c.1550G>A (p.Gly517Asp)

Gene: SLX4 (SLX4 structure-specific endonuclease subunit; minus strand). Cytogenetic location: 16p13.3.
Variant type: single nucleotide variant.
Coding change: c.1550G>A on transcript NM_032444.4 (MANE Select); coding-DNA position 1550, G replaced by A.
Protein change: p.Gly517Asp; replaces glycine 517 with aspartic acid.
Molecular consequence: missense variant.
Genome position (GRCh38, 1-based): chr16:3,597,512, C>T on the plus strand (G>A on the coding strand, the complement: SLX4 is on the minus strand). VCF-style: chr16-3597512-C-T. GRCh37 (hg19) VCF-style: chr16-3647513-C-T.
Other names: short protein forms G517D.
Identifiers: ClinVar variation 1433594 (VCV001433594.9), dbSNP rs772562892, ClinGen allele CA7866493.